The following continues an entry in ClinVar:

NM_032043.3(BRIP1):c.2992_2995del (p.Lys998fs)

Gene: BRIP1. ClinVar aggregate classification (germline): Conflicting classifications of pathogenicity. Pathogenic (10); Likely pathogenic (4); Uncertain significance (5).

Submissions 7 to 22 of 22:

Ambry Genetics
Classification: Uncertain significance for Hereditary cancer-predisposing syndrome. Last evaluated: 2025-03-13. Review status: criteria provided, single submitter. Criteria: Ambry Variant Classification Scheme 2023. Collection method: clinical testing. Allele origin: germline.
Comment: The c.2992_2995delAAGA variant, located in coding exon 19 of the BRIP1 gene, results from a deletion of 4 nucleotides between positions 2992 and 2995, causing a translational frameshift with a predicted alternate stop codon (p.Lys998Glufs*60). This alteration occurs at the 3' terminus of theBRIP1 gene, is not expected to trigger nonsense-mediated mRNA decay, and impacts the last 252 amino acids of the protein. The exact functional effect of this alteration is unknown. This mutation has been identified in early onset breast cancer and ovarian cancer patients (De Nicolo A et al. Clin. Cancer Res. 2008 Jul; 14(14):4672-80; Tedaldi G et al. Oncotarget 2017 Jul;8(29):47064-47075; Carter NJ et al. Gynecol Oncol. 2018 Dec;151(3):481-488). While the C-terminal region of the BRIP1 protein has been shown by structural, biochemical, and mutational analysis to be relevant for some aspects of BRIP1 protein function (Gong Z et al. Mol. Cell, 2010 Feb;37:438-46; Leung CC et al. J. Biol. Chem. 2011 Feb; 286(6):4292-301; Xie J et al. PLoS Genet. 2012 Jul; 8(7):e1002786), functional studies have shown that truncations in the 3' terminus of BRIP1 display normal function in response to intra-strand cross-linking agents (Calvo JA et al. Mol Cancer Res, 2021 Jun;19:1015-1025). In addition, 3' truncations in BRIP1 occurring upstream of this variant have been detected in the homozygous or compound heterozygous state in individuals with no reported features of BRIP1-related Fanconi Anemia (FA-J) (Ambry internal data). Based on the available evidence, the clinical significance of this variant remains unclear.

Institute of Human Genetics, University of Leipzig Medical Center
Classification: Pathogenic for Familial cancer of breast. Last evaluated: 2024-05-22. Review status: criteria provided, single submitter. Criteria: ACMG Guidelines, 2015. Collection method: clinical testing. Allele origin: unknown. Inheritance: Autosomal dominant inheritance. Affected: yes.
Comment: Criteria applied: PVS1,PS3,PS4,PM2_SUP

Blueprint Genetics
Classification: Likely pathogenic for BRIP1-related disorders. Last evaluated: 2024-05-09. Review status: criteria provided, single submitter. Criteria: ACMG Guidelines, 2015. Collection method: clinical testing. Allele origin: germline. Affected: yes. Observed: 2 variant alleles.

Molecular Pathology, Peter Maccallum Cancer Centre
Classification: Likely pathogenic for Familial ovarian cancer. Last evaluated: 2024-04-30. Review status: criteria provided, single submitter. Criteria: ACMG Guidelines, 2015. Collection method: clinical testing. Allele origin: germline. Inheritance: Autosomal dominant inheritance.

Genomic Medicine Lab, University of California San Francisco
Classification: Pathogenic for Familial cancer of breast. Last evaluated: 2023-12-11. Review status: criteria provided, single submitter. Criteria: ACMG Guidelines, 2015. Collection method: clinical testing. Allele origin: unknown. Affected: no.

Baylor Genetics
Classification: Pathogenic for Familial cancer of breast. Last evaluated: 2023-09-26. Review status: criteria provided, single submitter. Criteria: ACMG Guidelines, 2015. Collection method: clinical testing. Allele origin: unknown.

GeneDx
Classification: Pathogenic. Last evaluated: 2023-05-08. Review status: criteria provided, single submitter. Criteria: GeneDx Variant Classification Process June 2021. Collection method: clinical testing. Allele origin: germline. Affected: yes.
Comment: Frameshift variant in the C-terminus predicted to result in protein truncation, as the last 252 amino acids are lost and replaced with 59 incorrect amino acids; Published functional studies demonstrate a damaging effect: impaired protein stability and interaction with BRCA1 (De Nicolo et al., 2008); Observed in individuals with breast, ovarian, or renal cancer (De Nicolo et al., 2008; Easton et al., 2016; Tedaldi et al., 2017; Carter et al., 2018; Yngvadottir et al., 2022); Not observed at a significant frequency in large population cohorts (gnomAD); This variant is associated with the following publications: (PMID: 21345144, 26921362, 20159562, 18628483, 20346647, 29368626, 31325073, 34426522, 35441217, 29922827, 33840814, 28423363, 30322717)

Myriad Genetics, Inc.
Classification: Pathogenic for Familial cancer of breast. Last evaluated: 2023-02-28. Review status: criteria provided, single submitter. Criteria: Myriad Autosomal Dominant, Autosomal Recessive and X-Linked Classification Criteria (2023). Collection method: clinical testing. Allele origin: unknown.
Comment: This variant is considered pathogenic. This variant creates a frameshift predicted to result in premature protein truncation.

Women's Health and Genetics/Laboratory Corporation of America, LabCorp
Classification: Pathogenic for Hereditary breast ovarian cancer syndrome. Last evaluated: 2022-05-04. Review status: criteria provided, single submitter. Criteria: LabCorp Variant Classification Summary - May 2015. Collection method: clinical testing. Allele origin: germline.
Comment: Variant summary: BRIP1 c.2992_2995delAAGA (p.Lys998GlufsX60) results in a premature termination codon causes a truncation of the encoded protein which is a commonly known mechanism for disease (De Nicolo_2008). Truncations downstream of this position have been observed at our laboratory and reported in association with other BRIP1-related cancers in the HGMD database. The variant allele was found at a frequency of 1.6e-05 in 251076 control chromosomes. c.2992_2995delAAGA has been reported in the literature among individuals with a variety of BRIP1-associated cancers such as breast/ovarian and AML (example, De Nicolo_2008, Tedaldi_2017, Carter_2018, Weber-Lassalle_2018, Wagener_2021). These data indicate that the variant is likely to be associated with disease. At least one publication reports experimental evidence evaluating an impact on protein function (Di Nicolo_2008). The most pronounced variant effect impairs BRIP1 function and its ability to interact with BRCA1. Eight clinical diagnostic laboratories have submitted clinical-significance assessments for this variant to ClinVar after 2014 without evidence for independent evaluation. All laboratories classified the variant as pathogenic/likely pathogenic. Based on the evidence outlined above, the variant was classified as pathogenic.

MGZ Medical Genetics Center
Classification: Pathogenic for Familial cancer of breast. Last evaluated: 2021-08-10. Review status: criteria provided, single submitter. Criteria: ACMG Guidelines, 2015. Collection method: clinical testing. Allele origin: germline. Affected: yes. Observed: 1 variant allele.
Comment: ACMG criteria applied: PVS1, PS3, PM2_SUP

Sema4
Classification: Pathogenic for Hereditary cancer-predisposing syndrome. Last evaluated: 2021-03-17. Review status: criteria provided, single submitter. Criteria: Sema4 Curation Guidelines. Collection method: curation. Allele origin: germline.
Comment: The BRIP1 c.2992_2995delAAGA (p.K998EfsX60) variant has been reported in heterozygosity in several individuals with breast or ovarian cancer, often diagnosed under age 50 (PMID: 18628483, 28423363, 29368626, 26921362, 31325073, 30322717). Functional studies have shown that this variant alters the BRCA1-binding domain, thereby impairing the interaction of BRIP1 with BRCA1 (PMID: 18628483). As this variant is not predicted to cause nonsense-mediated decay, the protein product is expected to be truncated. It has been shown that this truncated BRIP1 protein is unstable and is degraded more quickly than the wildtype protein (PMID: 18628483). This variant was observed in 1/24956 chromosomes in the African/African American population, according to the Genome Aggregation Database (PMID: 32461654). This variant has been reported in ClinVar (Variation ID: 187416). Based on the current evidence available, this variant is interpreted as pathogenic.

Revvity Omics, Revvity
Classification: Pathogenic for Fanconi anemia complementation group J. Last evaluated: 2019-05-10. Review status: criteria provided, single submitter. Criteria: ACMG Guidelines, 2015. Collection method: clinical testing. Allele origin: germline.

Knight Diagnostic Laboratories, Oregon Health and Sciences University
Classification: Pathogenic for Hereditary cancer-predisposing syndrome. Last evaluated: 2019-03-20. Review status: criteria provided, single submitter. Criteria: ACMG Guidelines, 2015. Collection method: clinical testing. Allele origin: germline. Observed: 1 variant allele.

Medical Genetics Laboratory, Umraniye Training and Research Hospital, University of Health Sciences
Classification: Pathogenic for Breast carcinoma. Last evaluated: 2021-08-09. Review status: no assertion criteria provided. Collection method: clinical testing. Allele origin: germline. Affected: yes. Observed: 1 variant allele, 1 heterozygote. Not counted in ClinVar's aggregate classification.

Counsyl
Classification: Pathogenic for Fanconi anemia complementation group J; Ovarian cancer. Last evaluated: 2018-04-13. Review status: no assertion criteria provided. Collection method: clinical testing. Allele origin: unknown. Not counted in ClinVar's aggregate classification.

Department of Pediatric Oncology,  Hematology and Clinical Immunology, University Clinics Duesseldorf
Classification: Uncertain significance for Hereditary cancer-predisposing syndrome. Review status: flagged submission. Criteria: ACMG Guidelines, 2015. Collection method: research. Allele origin: paternal. Affected: yes. Observed: 1 heterozygote. Not counted in ClinVar's aggregate classification.
ClinVar note: Reason: Outlier claim with insufficient supporting evidence

Literature cited by the submitters: PubMed 20159562 (cited by Hema, HEMA – Genetic and Molecular Diagnostic Laboratory and Color Diagnostics, LLC DBA Color Health); PubMed 21127055 (cited by Hema, HEMA – Genetic and Molecular Diagnostic Laboratory); PubMed 22792074 (cited by Hema, HEMA – Genetic and Molecular Diagnostic Laboratory and Color Diagnostics, LLC DBA Color Health); PubMed 33619228 (cited by Hema, HEMA – Genetic and Molecular Diagnostic Laboratory); DOI 10.1016/j.ejcped.2025.100337 (cited by Hema, HEMA – Genetic and Molecular Diagnostic Laboratory); PubMed 18628483 (cited by 7 submitters); PubMed 26921362 (cited by 4 submitters); PubMed 28423363 (cited by 7 submitters); PubMed 30322717 (cited by 5 submitters); PubMed 33840814 (cited by 3 submitters); PubMed 39096151 (cited by Quest Diagnostics Nichols Institute San Juan Capistrano); PubMed 35441217 (cited by Quest Diagnostics Nichols Institute San Juan Capistrano); PubMed 31325073 (cited by 3 submitters); PubMed 29368626 (cited by 5 submitters); PubMed 21345144 (cited by Quest Diagnostics Nichols Institute San Juan Capistrano); PubMed 11301010 (cited by Color Diagnostics, LLC DBA Color Health); PubMed 14983014 (cited by Color Diagnostics, LLC DBA Color Health); PubMed 20173781 (cited by Color Diagnostics, LLC DBA Color Health).